The following is an entry in ClinVar:

NM_170754.4(TNS2):c.2637C>G (p.Ser879=)

Gene: TNS2 (tensin 2; plus strand). Cytogenetic location: 12q13.13.
Variant type: single nucleotide variant.
Coding change: c.2637C>G on transcript NM_170754.4 (MANE Select); coding-DNA position 2637, C replaced by G.
Protein change: p.Ser879=; no amino-acid change (serine 879 retained).
Molecular consequence: synonymous variant.
Genome position (GRCh38, 1-based): chr12:53,060,424, C>G. VCF-style: chr12-53060424-C-G. GRCh37 (hg19) VCF-style: chr12-53454208-C-G.
Other names: c.2637C>G, p.Ser879= (NM_001416202.1); c.2595C>G, p.Ser865= (NM_001416203.1); c.2664C>G, p.Ser888= (NM_001416204.1); c.2568C>G, p.Ser856= (NM_015319.3); c.2265C>G, p.Ser755= (NM_198316.2).
Identifiers: ClinVar variation 791424 (VCV000791424.35), dbSNP rs75248314, ClinGen allele CA6592648.

ClinVar aggregate classification (germline): Benign. Review status: criteria provided, multiple submitters, no conflicts (2 of 4 stars). 4 submissions from 4 submitters: Benign (3). 1 of the submissions does not count toward it. Last evaluated 2025-12-29.

Conditions:
TNS2-related disorder. Also called: TNS2-related condition.

Allele frequency attached by ClinVar (database versions not stated): 1000 Genomes Project 0.00200; 1000 Genomes Project 30x 0.00203; gnomAD exomes 0.00623; ExAC 0.00646; TOPMed 0.00664; gnomAD 0.00692 and 0.00705; ESP Exome Variant Server 0.00861.
gnomAD v4.1: 16,500 of 1,613,366 alleles (1%); highest among the groups gnomAD compares: Non-Finnish European, 1.3%; 118 homozygotes.

Submissions (4):

Labcorp Genetics (formerly Invitae), Labcorp
Classification: Benign. Last evaluated: 2025-12-29. Review status: criteria provided, single submitter. Criteria: Invitae Variant Classification Sherloc (09022015). Collection method: clinical testing. Allele origin: germline.

CeGaT Center for Human Genetics Tuebingen
Classification: Benign. Last evaluated: 2023-08-01. Review status: criteria provided, single submitter. Criteria: CeGaT Center For Human Genetics Tuebingen Variant Classification Criteria Version 2. Collection method: clinical testing. Allele origin: germline. Affected: yes. Observed: 1 variant allele.
Comment: TNS2: BP4, BP7, BS1, BS2

Breakthrough Genomics
Classification: Benign. Review status: criteria provided, single submitter. Criteria: ACMG Guidelines, 2015. Collection method: not provided. Allele origin: germline. Inheritance: Unknown mechanism. Affected: yes.

PreventionGenetics, part of Exact Sciences
Classification: Benign for TNS2-related condition. Last evaluated: 2020-03-31. Review status: no assertion criteria provided. Collection method: clinical testing. Allele origin: germline. Not counted in ClinVar's aggregate classification.
Comment: This variant is classified as benign based on ACMG/AMP sequence variant interpretation guidelines (Richards et al. 2015 PMID: 25741868, with internal and published modifications).